The following is an entry in ClinVar:

ClinVar aggregate classification (germline): Uncertain significance (1 of 4 stars; one submission).

Conditions:
Generalized pustular psoriasis. Identifiers: Orphanet 247353, MedGen C0343055, MONDO:0100491.

Submission:

Labcorp Genetics (formerly Invitae), Labcorp
Classification: Uncertain significance for Generalized pustular psoriasis. Last evaluated: 2023-09-19. Review status: criteria provided, single submitter. Criteria: Invitae Variant Classification Sherloc (09022015). Collection method: clinical testing. Allele origin: germline.
Comment: In summary, the available evidence is currently insufficient to determine the role of this variant in disease. Therefore, it has been classified as a Variant of Uncertain Significance. Algorithms developed to predict the effect of missense changes on protein structure and function output the following: SIFT: "Not Available"; PolyPhen-2: "Benign"; Align-GVGD: "Not Available". The alanine amino acid residue is found in multiple mammalian species, which suggests that this missense change does not adversely affect protein function. This variant has not been reported in the literature in individuals affected with IL36RN-related conditions. This variant is not present in population databases (gnomAD no frequency). This sequence change replaces valine, which is neutral and non-polar, with alanine, which is neutral and non-polar, at codon 72 of the IL36RN protein (p.Val72Ala).

NM_012275.3(IL36RN):c.215T>C (p.Val72Ala)

Gene: IL36RN (interleukin 36 receptor antagonist; plus strand). Cytogenetic location: 2q14.1.
Variant type: single nucleotide variant.
Coding change: c.215T>C on transcript NM_012275.3 (MANE Select); coding-DNA position 215, T replaced by C.
Protein change: p.Val72Ala; replaces valine 72 with alanine.
Molecular consequence: missense variant.
Genome position (GRCh38, 1-based): chr2:113,062,223, T>C. VCF-style: chr2-113062223-T-C. GRCh37 (hg19) VCF-style: chr2-113819800-T-C.
Other names: c.215T>C, p.Val72Ala (NM_173170.1); short protein forms V72A.
Identifiers: ClinVar variation 2803194 (VCV002803194.3), dbSNP rs1573387399, ClinGen allele CA348290134.